The following is an entry in ClinVar:

NM_015602.4(TOR1AIP1):c.1318C>T (p.Arg440Cys)

Gene: TOR1AIP1 (torsin 1A interacting protein 1; plus strand). Cytogenetic location: 1q25.2.
Variant type: single nucleotide variant.
Coding change: c.1318C>T on transcript NM_015602.4 (MANE Select); coding-DNA position 1318, C replaced by T.
Protein change: p.Arg440Cys; replaces arginine 440 with cysteine.
Molecular consequence: missense variant.
Genome position (GRCh38, 1-based): chr1:179,917,805, C>T. VCF-style: chr1-179917805-C-T. GRCh37 (hg19) VCF-style: chr1-179886940-C-T.
Other names: c.1321C>T, p.Arg441Cys (NM_001267578.2); short protein forms R441C, R440C.
Identifiers: ClinVar variation 4795602 (VCV004795602.1).

ClinVar aggregate classification (germline): Uncertain significance (1 of 4 stars; one submission).

gnomAD v4.1: 26 of 1,614,126 alleles (0.0016%); highest among the groups gnomAD compares: East Asian, 0.0045%; no homozygotes.

Submission:

GeneDx
Classification: Uncertain significance. Last evaluated: 2025-08-13. Review status: criteria provided, single submitter. Criteria: GeneDx Variant Classification Process June 2021. Collection method: clinical testing. Allele origin: germline. Affected: yes.
Comment: Not observed at significant frequency in large population cohorts (gnomAD); In silico analysis supports that this missense variant has a deleterious effect on protein structure/function; Has not been previously published as pathogenic or benign to our knowledge